The following is an entry in ClinVar:

ClinVar aggregate classification (germline): Uncertain significance (1 of 4 stars; one submission).

Conditions:
Cowden syndrome 6 (CWS6). Identifiers: Orphanet 201, MedGen C3554519, MONDO:0014048, OMIM 615109.

Submission:

Labcorp Genetics (formerly Invitae), Labcorp
Classification: Uncertain significance for Cowden syndrome 6. Last evaluated: 2023-11-28. Review status: criteria provided, single submitter. Criteria: Invitae Variant Classification Sherloc (09022015). Collection method: clinical testing. Allele origin: germline.
Comment: This sequence change replaces proline, which is neutral and non-polar, with alanine, which is neutral and non-polar, at codon 208 of the AKT1 protein (p.Pro208Ala). This variant is not present in population databases (gnomAD no frequency). This variant has not been reported in the literature in individuals affected with AKT1-related conditions. ClinVar contains an entry for this variant (Variation ID: 2064010). An algorithm developed to predict the effect of missense changes on protein structure and function (PolyPhen-2) suggests that this variant is likely to be disruptive. In summary, the available evidence is currently insufficient to determine the role of this variant in disease. Therefore, it has been classified as a Variant of Uncertain Significance.

NM_001382430.1(AKT1):c.622C>G (p.Pro208Ala)

Gene: AKT1 (AKT serine/threonine kinase 1; minus strand). Cytogenetic location: 14q32.33.
Variant type: single nucleotide variant.
Coding change: c.622C>G on transcript NM_001382430.1 (MANE Select); coding-DNA position 622, C replaced by G.
Protein change: p.Pro208Ala; replaces proline 208 with alanine.
Molecular consequence: missense variant.
Genome position (GRCh38, 1-based): chr14:104,774,949, G>C on the plus strand (C>G on the coding strand, the complement: AKT1 is on the minus strand). VCF-style: chr14-104774949-G-C. GRCh37 (hg19) VCF-style: chr14-105241286-G-C.
Other names: c.622C>G, p.Pro208Ala (NM_001382431.1, NM_001382432.1, NM_001382433.1 and 3 more transcripts); short protein forms P208A.
Identifiers: ClinVar variation 2064010 (VCV002064010.4), dbSNP rs2542141882, ClinGen allele CA391219170.